The following is an entry in ClinVar:

NM_004168.4(SDHA):c.954C>G (p.Leu318=)

Gene: SDHA (succinate dehydrogenase complex flavoprotein subunit A; plus strand). Cytogenetic location: 5p15.33.
Variant type: single nucleotide variant.
Coding change: c.954C>G on transcript NM_004168.4 (MANE Select); coding-DNA position 954, C replaced by G.
Protein change: p.Leu318=; no amino-acid change (leucine 318 retained).
Molecular consequence: synonymous variant.
Genome position (GRCh38, 1-based): chr5:233,535, C>G. VCF-style: chr5-233535-C-G. GRCh37 (hg19) VCF-style: chr5-233650-C-G.
Other names: c.810C>G, p.Leu270= (NM_001294332.2); c.954C>G, p.Leu318= (NM_001330758.2).
Identifiers: ClinVar variation 3904377 (VCV003904377.1).

ClinVar aggregate classification (germline): Benign (1 of 4 stars; one submission).

Conditions:
Pheochromocytoma/paraganglioma syndrome 5. Also called: Paragangliomas 5; SDHA-Related Hereditary Paraganglioma-Pheochromocytoma Syndrome. Identifiers: Orphanet 29072, MedGen C3279992, MONDO:0013602, OMIM 614165.

Submission:

Myriad Genetics, Inc.
Classification: Benign for Pheochromocytoma/paraganglioma syndrome 5. Last evaluated: 2025-03-04. Review status: criteria provided, single submitter. Criteria: Myriad Autosomal Dominant, Autosomal Recessive and X-Linked Classification Criteria (2023). Collection method: clinical testing. Allele origin: unknown.
Comment: This variant is considered benign. This variant is a silent/synonymous amino acid change and it is not expected to impact splicing.